The following is an entry in ClinVar:

ClinVar aggregate classification (germline): Likely benign (1 of 4 stars; one submission).

gnomAD v4.1: 1 of 1,613,160 alleles (0.000062%); highest among the groups gnomAD compares: Non-Finnish European, 0.000085%; no homozygotes.

Submission:

CeGaT Center for Human Genetics Tuebingen
Classification: Likely benign. Last evaluated: 2025-07-01. Review status: criteria provided, single submitter. Criteria: CeGaT Center For Human Genetics Tuebingen Variant Classification Criteria Version 2. Collection method: clinical testing. Allele origin: germline. Affected: yes. Observed: 1 variant allele.
Comment: PLXNA1: BP4, BP7

NM_032242.4(PLXNA1):c.1080C>T (p.Phe360=)

Gene: PLXNA1 (plexin A1; plus strand). Cytogenetic location: 3q21.3.
Variant type: single nucleotide variant.
Coding change: c.1080C>T on transcript NM_032242.4 (MANE Select); coding-DNA position 1080, C replaced by T.
Protein change: p.Phe360=; no amino-acid change (phenylalanine 360 retained).
Molecular consequence: synonymous variant.
Genome position (GRCh38, 1-based): chr3:126,989,673, C>T. VCF-style: chr3-126989673-C-T. GRCh37 (hg19) VCF-style: chr3-126708516-C-T.
Identifiers: ClinVar variation 4085164 (VCV004085164.8).